The following is an entry in ClinVar:

NC_000019.9:g.(?_10828919)_(10829099_?)dup

Gene: DNM2 (dynamin 2; plus strand). Cytogenetic location: 19p13.2.
Variant type: Duplication.
Identifiers: ClinVar variation 2423458 (VCV002423458.3).

ClinVar aggregate classification (germline): Uncertain significance (1 of 4 stars; one submission).

Conditions:
Charcot-Marie-Tooth disease dominant intermediate B (CMTDIB). Also called: CHARCOT-MARIE-TOOTH NEUROPATHY, DOMINANT INTERMEDIATE B; Charcot-Marie-Tooth disease dominant intermediate 1; CMT DI1; Charcot-Marie-Tooth disease dominant intermediate I. Identifiers: Orphanet 100044, Orphanet 228179, MedGen C1847902, MONDO:0011674, OMIM 606482.

Submission:

Labcorp Genetics (formerly Invitae), Labcorp
Classification: Uncertain significance for Charcot-Marie-Tooth disease dominant intermediate B. Last evaluated: 2022-08-20. Review status: criteria provided, single submitter. Criteria: Invitae Variant Classification Sherloc (09022015). Collection method: clinical testing. Allele origin: germline.
Comment: This variant results in a copy number gain of the genomic region encompassing exon(s) 1 of the DNM2 gene. This region includes the initiator codon of the gene. This copy number gain extends beyond the assayed region for this gene and therefore may encompass additional genes. As the precise location of this event is unknown, it may be in tandem or it may be located elsewhere in the genome. This variant has not been reported in the literature in individuals affected with DNM2-related conditions. In summary, the available evidence is currently insufficient to determine the role of this variant in disease. Therefore, it has been classified as a Variant of Uncertain Significance.